The following is an entry in ClinVar:

ClinVar aggregate classification (germline): Likely benign. Review status: criteria provided, multiple submitters, no conflicts (2 of 4 stars). 2 submissions from 2 submitters: Likely benign (2). Last evaluated 2025-11-01.

Conditions:
Intellectual developmental disorder, autosomal dominant 6, with or without seizures. Also called: Intellectual disability, autosomal dominant 6; GRIN2B-related developmental delay, intellectual disability and autism spectrum disorder. Identifiers: Orphanet 589547, MedGen C3151411, MONDO:0013509, OMIM 613970.
Developmental and epileptic encephalopathy, 27 (DEE27). Also called: GRIN2B-Related Neurodevelopmental Disorder; Epileptic encephalopathy, early infantile, 27. Identifiers: Orphanet 3451, MedGen C4015316, MONDO:0014505, OMIM 616139.

Submissions (2):

CeGaT Center for Human Genetics Tuebingen
Classification: Likely benign. Last evaluated: 2025-11-01. Review status: criteria provided, single submitter. Criteria: CeGaT Center For Human Genetics Tuebingen Variant Classification Criteria Version 2. Collection method: clinical testing. Allele origin: germline. Affected: yes. Observed: 1 variant allele.
Comment: GRIN2B: PM2:Supporting, BP4, BP7

Labcorp Genetics (formerly Invitae), Labcorp
Classification: Likely benign for Developmental and epileptic encephalopathy, 27; Intellectual developmental disorder, autosomal dominant 6, with or without seizures. Last evaluated: 2018-03-09. Review status: criteria provided, single submitter. Criteria: Invitae Variant Classification Sherloc (09022015). Collection method: clinical testing. Allele origin: germline.

NM_000834.5(GRIN2B):c.393T>C (p.Ser131=)

Gene: GRIN2B (glutamate ionotropic receptor NMDA type subunit 2B; minus strand). Cytogenetic location: 12p13.1.
Variant type: single nucleotide variant.
Coding change: c.393T>C on transcript NM_000834.5 (MANE Select); coding-DNA position 393, T replaced by C.
Protein change: p.Ser131=; no amino-acid change (serine 131 retained).
Molecular consequence: synonymous variant.
Genome position (GRCh38, 1-based): chr12:13,865,816, A>G on the plus strand (T>C on the coding strand, the complement: GRIN2B is on the minus strand). VCF-style: chr12-13865816-A-G. GRCh37 (hg19) VCF-style: chr12-14018750-A-G.
Identifiers: ClinVar variation 753171 (VCV000753171.15), dbSNP rs1591774189, ClinGen allele CA478853680.